The following is an entry in ClinVar:

NM_001369.3(DNAH5):c.5387_5388insAGCAGCACGACGA (p.Gln1797fs)

Gene: DNAH5 (dynein axonemal heavy chain 5; minus strand). Cytogenetic location: 5p15.2.
Variant type: Insertion.
Coding change: c.5387_5388insAGCAGCACGACGA on transcript NM_001369.3 (MANE Select); coding-DNA positions 5387 to 5388, AGCAGCACGACGA inserted.
Protein change: p.Gln1797fs; shifts the reading frame from glutamine 1797.
Molecular consequence: frameshift variant.
Genome position: GRCh38 VCF-style: chr5-13841788-A-ATCGTCGTGCTGCT. GRCh37 (hg19) VCF-style: chr5-13841897-A-ATCGTCGTGCTGCT.
Other names: short protein forms Q1797fs.
Identifiers: ClinVar variation 1723939 (VCV001723939.2), dbSNP rs2546911333, ClinGen allele CA2580072088.

ClinVar aggregate classification (germline): Likely pathogenic (1 of 4 stars; one submission).

Conditions:
Primary ciliary dyskinesia 3. Identifiers: Orphanet 244, MedGen C1837618, MONDO:0012085, OMIM 608644.

Submission:

Myriad Genetics, Inc.
Classification: Likely pathogenic for Primary ciliary dyskinesia 3. Last evaluated: 2022-01-14. Review status: criteria provided, single submitter. Criteria: Myriad Women's Health Autosomal Recessive and X-Linked Classification Criteria (2021). Collection method: clinical testing. Allele origin: unknown.
Comment: NM_001369.2(DNAH5):c.5387_5388ins13(Q1797Afs*28) is expected to be pathogenic in the context of DNAH5-related primary ciliary dyskinesia. This variant is predicted to lead to an abnormal or absent protein product due to the creation of a premature termination codon in DNAH5, a gene where loss-of-function variants are known to be pathogenic. Please note: this variant was assessed in the context of healthy population screening.